The following is an entry in ClinVar:

ClinVar aggregate classification (germline): Uncertain significance. Review status: criteria provided, multiple submitters, no conflicts (2 of 4 stars). 2 submissions from 2 submitters: Uncertain significance (2). Last evaluated 2022-08-08.

Conditions:
Hereditary spastic paraplegia 11. Also called: Nakamura Osame syndrome; Autosomal recessive hereditary spastic paraplegia, mental impairment, and thin corpus callosum; SPASTIC PARAPLEGIA, AUTOSOMAL RECESSIVE, COMPLICATED, WITH THIN CORPUS CALLOSUM; SPASTIC PARAPLEGIA, AUTOSOMAL RECESSIVE, WITH MENTAL IMPAIRMENT AND THIN CORPUS CALLOSUM; Spastic paraplegia, mental retardation and thin corpus callosum; Spastic Paraplegia 11. Identifiers: Orphanet 2822, MedGen C1858479, MONDO:0011445, OMIM 604360.
Inborn genetic diseases. Identifiers: MedGen C0950123, MeSH D030342.

Allele frequency attached by ClinVar (database versions not stated): TOPMed below 0.00001.

Submissions (2):

Ambry Genetics
Classification: Uncertain significance for Inborn genetic diseases. Last evaluated: 2022-08-08. Review status: criteria provided, single submitter. Criteria: Ambry Variant Classification Scheme 2023. Collection method: clinical testing. Allele origin: germline.
Comment: The p.T451I variant (also known as c.1352C>T), located in coding exon 6 of the SPG11 gene, results from a C to T substitution at nucleotide position 1352. The threonine at codon 451 is replaced by isoleucine, an amino acid with similar properties. This amino acid position is conserved. In addition, this alteration is predicted to be tolerated by in silico analysis. Since supporting evidence is limited at this time, the clinical significance of this alteration remains unclear.

Labcorp Genetics (formerly Invitae), Labcorp
Classification: Uncertain significance for Hereditary spastic paraplegia 11. Last evaluated: 2022-07-06. Review status: criteria provided, single submitter. Criteria: Invitae Variant Classification Sherloc (09022015). Collection method: clinical testing. Allele origin: germline.
Comment: This sequence change replaces threonine, which is neutral and polar, with isoleucine, which is neutral and non-polar, at codon 451 of the SPG11 protein (p.Thr451Ile). This variant is not present in population databases (gnomAD no frequency). This variant has not been reported in the literature in individuals affected with SPG11-related conditions. ClinVar contains an entry for this variant (Variation ID: 578866). Algorithms developed to predict the effect of missense changes on protein structure and function output the following: SIFT: "Tolerated"; PolyPhen-2: "Benign"; Align-GVGD: "Class C0". The isoleucine amino acid residue is found in multiple mammalian species, which suggests that this missense change does not adversely affect protein function. In summary, the available evidence is currently insufficient to determine the role of this variant in disease. Therefore, it has been classified as a Variant of Uncertain Significance.

NM_025137.4(SPG11):c.1352C>T (p.Thr451Ile)

Gene: SPG11 (SPG11 vesicle trafficking associated, spatacsin; minus strand). Cytogenetic location: 15q21.1.
Variant type: single nucleotide variant.
Coding change: c.1352C>T on transcript NM_025137.4 (MANE Select); coding-DNA position 1352, C replaced by T.
Protein change: p.Thr451Ile; replaces threonine 451 with isoleucine.
Molecular consequence: missense variant.
Genome position (GRCh38, 1-based): chr15:44,651,595, G>A on the plus strand (C>T on the coding strand, the complement: SPG11 is on the minus strand). VCF-style: chr15-44651595-G-A. GRCh37 (hg19) VCF-style: chr15-44943793-G-A.
Other names: c.1352C>T, p.Thr451Ile (NM_001160227.2); short protein forms T451I.
Identifiers: ClinVar variation 578866 (VCV000578866.7), dbSNP rs1567190879, ClinGen allele CA392236029.
Genomic context (GRCh38, chr15:44,651,595, plus strand): 5'-GGAATACACTTTGTGCCAAGGGAAAAACACTGCATGCCCTGGGTCTCCAAATCCCAGAGG[G>A]TAATGGTATAGCCCATCCTTTCCACTTCCCAAGTAAACAGTGCAGTGAATCCTGTCACAG-3'
Protein context (NP_079413.3, residues 441-461): WEVERMGYTI[Thr451Ile]LWDLETQGMQ